The following is an entry in ClinVar:

NM_019066.5(MAGEL2):c.2103A>T (p.Val701=)

Gene: MAGEL2 (MAGE family member L2; minus strand). Cytogenetic location: 15q11.2.
Variant type: single nucleotide variant.
Coding change: c.2103A>T on transcript NM_019066.5 (MANE Select); coding-DNA position 2103, A replaced by T.
Protein change: p.Val701=; no amino-acid change (valine 701 retained).
Molecular consequence: synonymous variant.
Genome position (GRCh38, 1-based): chr15:23,645,640, T>A on the plus strand (A>T on the coding strand, the complement: MAGEL2 is on the minus strand). VCF-style: chr15-23645640-T-A. GRCh37 (hg19) VCF-style: chr15-23890787-T-A.
Identifiers: ClinVar variation 3696762 (VCV003696762.2).

ClinVar aggregate classification (germline): Uncertain significance (1 of 4 stars; one submission).

gnomAD v4.1: 6 of 1,587,074 alleles (0.00038%); highest among the groups gnomAD compares: Admixed American, 0.0088%; no homozygotes.

Submission:

Labcorp Genetics (formerly Invitae), Labcorp
Classification: Uncertain significance. Last evaluated: 2024-06-08. Review status: criteria provided, single submitter. Criteria: Invitae Variant Classification Sherloc (09022015). Collection method: clinical testing. Allele origin: germline.
Comment: This sequence change affects codon 701 of the MAGEL2 mRNA. It is a 'silent' change, meaning that it does not change the encoded amino acid sequence of the MAGEL2 protein. This variant is not present in population databases (gnomAD no frequency). This variant has not been reported in the literature in individuals affected with MAGEL2-related conditions. In summary, the available evidence is currently insufficient to determine the role of this variant in disease. Therefore, it has been classified as a Variant of Uncertain Significance.